The following is an entry in ClinVar:

NM_001267550.2(TTN):c.6409del (p.Val2137fs)

Gene: TTN (titin; minus strand). Cytogenetic location: 2q31.2.
Variant type: Deletion.
Coding change: c.6409del on transcript NM_001267550.2 (MANE Select); coding-DNA position 6409, one base deleted (G; older notation c.6409delG).
Protein change: p.Val2137fs; shifts the reading frame from valine 2137.
Molecular consequence: frameshift variant.
Genome position (GRCh38, 1-based): chr2:178,775,455, C deleted on the plus strand (G on the coding strand, the reverse complement: TTN is on the minus strand); the first of 2 consecutive C bases (chr2:178,775,455-178,775,456); deleting either gives the same sequence. VCF-style (leftmost placement, unchanged base first): chr2-178775454-AC-A. GRCh37 (hg19) VCF-style: chr2-179640181-AC-A.
Other names: c.6409del, p.Val2137fs (NM_001256850.1, NM_133378.4, NM_133379.5); c.6271del, p.Val2091fs (NM_003319.4, NM_133432.3, NM_133437.4); short protein forms V2137fs, V2091fs.
Identifiers: ClinVar variation 938815 (VCV000938815.10), dbSNP rs2092117117, ClinGen allele CA1139657528.

ClinVar aggregate classification (germline): Likely pathogenic (1 of 4 stars; one submission).

Conditions:
Dilated cardiomyopathy 1G (CMD1G). Identifiers: Orphanet 154, MedGen C1858763, MONDO:0011400, OMIM 604145.
Autosomal recessive limb-girdle muscular dystrophy type 2J (LGMDR10). Also called: Limb-girdle muscular dystrophy, type 2J; MUSCULAR DYSTROPHY, LIMB-GIRDLE, AUTOSOMAL RECESSIVE 10. Identifiers: Orphanet 140922, MedGen C1837342, MONDO:0012127, OMIM 608807.

Submission:

Labcorp Genetics (formerly Invitae), Labcorp
Classification: Likely pathogenic for Dilated cardiomyopathy 1G; Autosomal recessive limb-girdle muscular dystrophy type 2J. Last evaluated: 2024-10-18. Review status: criteria provided, single submitter. Criteria: Invitae Variant Classification Sherloc (09022015). Collection method: clinical testing. Allele origin: germline.
Comment: This sequence change creates a premature translational stop signal (p.Val2137Serfs*2) in the TTN gene. While this is not anticipated to result in nonsense mediated decay, it is expected to create a truncated TTN protein. This variant is not present in population databases (gnomAD no frequency). This variant has not been reported in the literature in individuals affected with TTN-related conditions. ClinVar contains an entry for this variant (Variation ID: 938815). This variant is located in the Z band of TTN (PMID: 25589632). Truncating variants in this region have been reported in individuals affected with autosomal recessive centronuclear myopathy (PMID: 33449170, internal data). Truncating variants in this region have also been identified in individuals affected with autosomal dominant dilated cardiomyopathy and/or cardio-related conditions (PMID: 27869827, 32964742, internal data). In summary, the currently available evidence indicates that the variant is pathogenic, but additional data are needed to prove that conclusively. Therefore, this variant has been classified as Likely Pathogenic.

Literature cited by the submitters: PubMed 25589632; PubMed 33449170; PubMed 27869827; PubMed 32964742.